The following is an entry in ClinVar:

ClinVar aggregate classification (somatic clinical impact): Tier II - Potential (1 of 4 stars; one submission).

Conditions:
Nasopharyngeal carcinoma. Also called: Nasopharyngeal carcinoma, somatic. Identifiers: Orphanet 150, MedGen C2931822, MONDO:0015459, OMIM 607107.

Submission:

Institute for Genomic Medicine (IGM) Clinical Laboratory, Nationwide Children's Hospital
Classification: Tier II - Potential for Nasopharyngeal carcinoma. Assertion type: diagnostic. Clinical significance: supports diagnosis. Last evaluated: 2023-03-28. Review status: criteria provided, single submitter. Criteria: AMP/ASCO/CAP Guidelines, 2017. Collection method: clinical testing. Allele origin: somatic. Affected: yes.
Comment: Variant has Tier II (potential) clinical significance as a diagnostic inclusion criterion in nasopharyngeal carcinoma, based on the following evidence: 1) Documented in one or more cancer databases (e.g., St. Jude Pecan, COSMIC, CIViC, OncoKB). 2) Appears in one or more well-established professional guidelines (e.g., World Health Organization [WHO]; National Comprehensive Cancer Network [NCCN]) as providing diagnostic, prognostic, or therapeutic information (PMIDs: 28098136, 34234122, 35562651, 36831585, 27647909, 28851814). 3) Information in the literature supports potential biologic effect of variant (PMID: 28669924). 4) Diagnostic significance based on multiple small studies (Evidence Level C; PMIDs: 28098136, 34234122, 35562651, 36831585, 27647909, 28851814).

Literature cited by the submitters: PubMed 28098136; PubMed 34234122; PubMed 35562651; PubMed 36831585; PubMed 27647909; PubMed 28851814; PubMed 28669924.

NM_003482.4(KMT2D):c.6709C>T (p.Gln2237Ter)

Gene: KMT2D (lysine methyltransferase 2D; minus strand). Cytogenetic location: 12q13.12.
Variant type: single nucleotide variant.
Coding change: c.6709C>T on transcript NM_003482.4 (MANE Select); coding-DNA position 6709, C replaced by T.
Protein change: p.Gln2237Ter; replaces glutamine 2237 with a stop codon.
Molecular consequence: nonsense.
Genome position (GRCh38, 1-based): chr12:49,041,061, G>A on the plus strand (C>T on the coding strand, the complement: KMT2D is on the minus strand). VCF-style: chr12-49041061-G-A. GRCh37 (hg19) VCF-style: chr12-49434844-G-A.
Other names: short protein forms Q2237*.
Identifiers: ClinVar variation 4530504 (VCV004530504.1).